The following is an entry in ClinVar:

ClinVar aggregate classification (germline): Likely benign. Review status: reviewed by expert panel (3 of 4 stars). 3 submissions from 3 submitters: Likely benign (1). 2 of the submissions do not count toward it. Last evaluated 2023-11-14.

Conditions:
X-linked severe combined immunodeficiency (SCIDX1). Also called: SCID, X-LINKED; SEVERE COMBINED IMMUNODEFICIENCY, X-LINKED, T CELL-NEGATIVE, B CELL-POSITIVE, NK CELL-NEGATIVE; IMMUNODEFICIENCY 4; T-B+ severe combined immunodeficiency due to gamma chain deficiency; X-Linked Combined Immunodeficiency Diseases. Identifiers: Orphanet 276, MedGen C6022468, MONDO:0010315, OMIM 300400. Disease mechanism: loss of function.

Allele frequency attached by ClinVar (database versions not stated): gnomAD exomes below 0.00001 and 0.00003; TOPMed below 0.00001; gnomAD 0.00002 and 0.00003; ExAC 0.00004; 1000 Genomes Project 0.00026; 1000 Genomes Project 30x 0.00042.
gnomAD v4.1: 7 of 1,206,964 alleles (0.00058%); highest among the groups gnomAD compares: East Asian, 0.018%; no homozygotes.

Submissions (3):

ClinGen Severe Combined Immunodeficiency Variant Curation Expert Panel, ClinGen
Classification: Likely benign for X-linked severe combined immunodeficiency. Last evaluated: 2023-11-14. Review status: reviewed by expert panel. Criteria: ClinGen SCID ACMG Specifications IL2RG V1.0.0. Collection method: curation. Allele origin: germline. Inheritance: X-linked inheritance.
Comment: The c.963G>A (p.Leu321=) variant (NM_000206.3) is a synonymous (silent) variant that is not predicted by SpliceAI, varSEAK, and NNSplice. BP7 is met. It occurs at an intermediate allele frequency, with a popmax filtering allele frequency in gnomAD v2.1.1 of 0.0001435 (based on 7/14709 alleles in the East Asian population) which is below the SCID VCEP established threshold of >0.00249. for BS1 and above the PM2 threshold of <0.000124. (BS1 not met, BA1 not met, PM2_Supporting not met). Additionally, three adult hemizygous males with this variant are present in the East Asian population in gnomAD v2.1.1 and one additional in the Other population (BS2). In summary, this variant is classified as a Likely Benign for autosomal recessive SCID based on ACMG/AMP criteria applied, as specified by the ClinGen SCID VCEP (specification version 1.0).

Labcorp Genetics (formerly Invitae), Labcorp
Classification: Benign for X-linked severe combined immunodeficiency. Last evaluated: 2024-02-01. Review status: criteria provided, single submitter. Criteria: Invitae Variant Classification Sherloc (09022015). Collection method: clinical testing. Allele origin: germline. Not counted in ClinVar's aggregate classification.

Blueprint Genetics
Classification: Likely benign. Last evaluated: 2020-03-26. Review status: criteria provided, single submitter. Criteria: ACMG Guidelines, 2015. Collection method: clinical testing. Allele origin: germline. Not counted in ClinVar's aggregate classification.

NM_000206.3(IL2RG):c.963G>A (p.Leu321=)

Gene: IL2RG (interleukin 2 receptor subunit gamma; minus strand). Cytogenetic location: Xq13.1.
Variant type: single nucleotide variant.
Coding change: c.963G>A on transcript NM_000206.3 (MANE Select); coding-DNA position 963, G replaced by A.
Protein change: p.Leu321=; no amino-acid change (leucine 321 retained).
Molecular consequence: synonymous variant.
Genome position (GRCh38, 1-based): chrX:71,107,883, C>T on the plus strand (G>A on the coding strand, the complement: IL2RG is on the minus strand). VCF-style: chrX-71107883-C-T. GRCh37 (hg19) VCF-style: chrX-70327733-C-T.
Other names: NM_000206.3(IL2RG):c.963G>A; p.Leu321=.
Identifiers: ClinVar variation 763173 (VCV000763173.11), dbSNP rs181901993, ClinGen allele CA10443771.